The following is an entry in ClinVar:

ClinVar aggregate classification (germline): Uncertain significance (1 of 4 stars; one submission).

Conditions:
Charcot-Marie-Tooth disease type 2B2 (CMT2B2). Also called: CHARCOT-MARIE-TOOTH DISEASE, AXONAL, TYPE 2B2; CHARCOT-MARIE-TOOTH DISEASE, NEURONAL, TYPE 2B2; Charcot-Marie-Tooth Neuropathy Type 2B2; CHARCOT-MARIE-TOOTH DISEASE, AXONAL, AUTOSOMAL RECESSIVE, TYPE 2B2. Identifiers: Orphanet 101101, MedGen C1854150, MONDO:0011570, OMIM 605589.

gnomAD v4.1: 5 of 1,587,982 alleles (0.00031%); highest among the groups gnomAD compares: Non-Finnish European, 0.00043%; no homozygotes.

Submission:

3billion
Classification: Uncertain significance for Charcot-Marie-Tooth disease type 2B2. Last evaluated: 2025-01-21. Review status: criteria provided, single submitter. Criteria: ACMG Guidelines, 2015. Collection method: clinical testing. Allele origin: germline. Affected: yes.
Comment: The variant is observed at an extremely low frequency in the gnomAD v4.1.0 dataset (total allele frequency: <0.001%). Predicted Consequence/Location: Missense variant. The majority of the known disease-causing variants of this gene are variants expected to result in premature termination of the protein. In silico tool predictions suggest damaging effect of the variant on gene or gene product [3Cnet: 0.89 (>=0.6, sensitivity 0.72 and precision 0.9)]. Therefore, this variant is classified as VUS according to the recommendation of ACMG/AMP guideline.

NM_007254.4(PNKP):c.1189G>A (p.Asp397Asn)

Gene: PNKP (polynucleotide kinase 3'-phosphatase; minus strand). Cytogenetic location: 19q13.33.
Variant type: single nucleotide variant.
Coding change: c.1189G>A on transcript NM_007254.4 (MANE Select); coding-DNA position 1189, G replaced by A.
Protein change: p.Asp397Asn; replaces aspartic acid 397 with asparagine.
Molecular consequence: missense variant.
Genome position (GRCh38, 1-based): chr19:49,861,881, C>T on the plus strand (G>A on the coding strand, the complement: PNKP is on the minus strand). VCF-style: chr19-49861881-C-T. GRCh37 (hg19) VCF-style: chr19-50365138-C-T.
Other names: short protein forms D397N.
Identifiers: ClinVar variation 4292301 (VCV004292301.1).